The following is an entry in ClinVar:

ClinVar aggregate classification (germline): Uncertain significance (1 of 4 stars; one submission).

Conditions:
Absence seizure. Also called: Absence epilepsy. Identifiers: Orphanet 1941, MedGen C0014553.
Myoclonic epilepsy, juvenile, susceptibility to, 1. Also called: Myoclonic Epilepsy, Juvenile, 1; EJM1. Identifiers: MedGen C1850778, MONDO:0020752, OMIM 254770.

Allele frequency attached by ClinVar (database versions not stated): gnomAD 0.00001; gnomAD exomes 0.00003 and 0.00002; ESP Exome Variant Server 0.00008; TOPMed 0.00001; ExAC 0.00002.
gnomAD v4.1: 39 of 1,614,042 alleles (0.0024%); highest among the groups gnomAD compares: Non-Finnish European, 0.0032%; no homozygotes.

Submission:

Labcorp Genetics (formerly Invitae), Labcorp
Classification: Uncertain significance for Myoclonic epilepsy, juvenile, susceptibility to, 1; Absence seizure. Last evaluated: 2021-01-14. Review status: criteria provided, single submitter. Criteria: Invitae Variant Classification Sherloc (09022015). Collection method: clinical testing. Allele origin: germline.
Comment: In summary, the available evidence is currently insufficient to determine the role of this variant in disease. Therefore, it has been classified as a Variant of Uncertain Significance. Algorithms developed to predict the effect of missense changes on protein structure and function output the following: SIFT: "Tolerated"; PolyPhen-2: "Benign"; Align-GVGD: "Class C0". The phenylalanine amino acid residue is found in multiple mammalian species, suggesting that this missense change does not adversely affect protein function. These predictions have not been confirmed by published functional studies and their clinical significance is uncertain. This variant has not been reported in the literature in individuals with EFHC1-related conditions. This variant is present in population databases (rs147882603, ExAC 0.004%). This sequence change replaces serine with phenylalanine at codon 20 of the EFHC1 protein (p.Ser20Phe). The serine residue is moderately conserved and there is a large physicochemical difference between serine and phenylalanine.

NM_018100.4(EFHC1):c.59C>T (p.Ser20Phe)

Gene: EFHC1 (EF-hand domain containing 1; plus strand). Cytogenetic location: 6p12.2.
Variant type: single nucleotide variant.
Coding change: c.59C>T on transcript NM_018100.4 (MANE Select); coding-DNA position 59, C replaced by T.
Protein change: p.Ser20Phe; replaces serine 20 with phenylalanine.
Molecular consequence: missense variant. On other transcripts: non-coding transcript variant (1).
Genome position (GRCh38, 1-based): chr6:52,420,469, C>T. VCF-style: chr6-52420469-C-T. GRCh37 (hg19) VCF-style: chr6-52285267-C-T.
Other names: short protein forms S20F.
Identifiers: ClinVar variation 662783 (VCV000662783.8), dbSNP rs147882603, ClinGen allele CA3855638.
Genomic context (GRCh38, chr6:52,420,469, plus strand): 5'-CAATGGTGTCCAATCCCGTGCATGGCTTGCCCTTTCTTCCGGGCACGTCCTTTAAGGACT[C>T]TACGGTGAGCAGTTATCTGCCAGACTCCCACCTGTCCCCACCTTCCAGCAGCCCAGGAGG-3'
Protein context (NP_060570.2, residues 10-30): PFLPGTSFKD[Ser20Phe]TKTAFHRSQT